The following is an entry in ClinVar:

NM_007294.4(BRCA1):c.2017G>T (p.Glu673Ter)

Gene: BRCA1 (BRCA1 DNA repair associated; minus strand). Cytogenetic location: 17q21.31.
Variant type: single nucleotide variant.
Coding change: c.2017G>T on transcript NM_007294.4 (MANE Select); coding-DNA position 2017, G replaced by T.
Protein change: p.Glu673Ter; replaces glutamic acid 673 with a stop codon.
Molecular consequence: nonsense. On other transcripts: intron variant (137).
Genome position (GRCh38, 1-based): chr17:43,093,514, C>A on the plus strand (G>T on the coding strand, the complement: BRCA1 is on the minus strand). VCF-style: chr17-43093514-C-A. GRCh37 (hg19) VCF-style: chr17-41245531-C-A.
Other names: p.E673*:GAA>TAA; c.1876G>T, p.Glu626Ter (NM_001407752.1, NM_001407944.1, NM_001407945.1 and 29 more transcripts); c.1873G>T, p.Glu625Ter (NM_001407838.1, NM_001407839.1, NM_001407841.1 and 20 more transcripts); c.2017G>T, p.Glu673Ter (NM_001407859.1, NM_007300.4, NM_001407581.1 and 30 more transcripts); c.2014G>T, p.Glu672Ter (NM_001407860.1, NM_001407861.1, NM_001407587.1 and 22 more transcripts); c.1816G>T, p.Glu606Ter (NM_001407862.1); c.1894G>T, p.Glu632Ter (NM_001407863.1, NM_001407648.1, NM_001407668.1 and 19 more transcripts); c.1813G>T, p.Glu605Ter (NM_001407874.1, NM_001407875.1); and 41 more; short protein forms E673*, E626*, E505*, E546*, E605*, E625*, E632*, E646*.
Identifiers: ClinVar variation 54436 (VCV000054436.76), dbSNP rs80357391, ClinGen allele CA001345.

ClinVar aggregate classification (germline): Pathogenic. Review status: reviewed by expert panel (3 of 4 stars). 11 submissions from 11 submitters: Pathogenic (1). 10 of the submissions do not count toward it. Last evaluated 2016-09-08.

Conditions:
Hereditary cancer-predisposing syndrome. Also called: Hereditary Cancer Syndrome; Tumor predisposition; Neoplastic Syndromes, Hereditary; Hereditary neoplastic syndrome. Identifiers: Orphanet 140162, MedGen C0027672, MeSH D009386, MONDO:0015356.
Hereditary breast ovarian cancer syndrome. Also called: Breast and ovarian cancer; BRCA1- and BRCA2-Associated Hereditary Breast and Ovarian Cancer; Hereditary breast and ovarian cancer; Hereditary breast and ovarian cancer syndrome (HBOC); Hereditary breast and ovarian cancer syndrome; Hereditary breast and/or ovarian cancer syndrome. Identifiers: Orphanet 145, MedGen C0677776, MeSH D061325, MONDO:0003582. Disease mechanism: loss of function.
Breast-ovarian cancer, familial, susceptibility to, 1 (BROVCA1). Also called: BRCA1 Hereditary Breast and Ovarian Cancer; OVARIAN CANCER, SUSCEPTIBILITY TO. Identifiers: Orphanet 145, MedGen C2676676, MONDO:0011450, OMIM 604370. Disease mechanism: loss of function.

Submissions (11):

Evidence-based Network for the Interpretation of Germline Mutant Alleles (ENIGMA)
Classification: Pathogenic for Breast-ovarian cancer, familial, susceptibility to, 1. Last evaluated: 2016-09-08. Review status: reviewed by expert panel. Criteria: ENIGMA BRCA1/2 Classification Criteria (2015). Collection method: curation. Allele origin: germline.
Comment: Variant allele predicted to encode a truncated non-functional protein.

Labcorp Genetics (formerly Invitae), Labcorp
Classification: Pathogenic for Hereditary breast ovarian cancer syndrome. Last evaluated: 2025-10-01. Review status: criteria provided, single submitter. Criteria: Invitae Variant Classification Sherloc (09022015). Collection method: clinical testing. Allele origin: germline. Not counted in ClinVar's aggregate classification.
Comment: This sequence change creates a premature translational stop signal (p.Glu673*) in the BRCA1 gene. It is expected to result in an absent or disrupted protein product. Loss-of-function variants in BRCA1 are known to be pathogenic (PMID: 20104584). This variant is not present in population databases (gnomAD no frequency). This premature translational stop signal has been observed in individual(s) with a personal or family history of breast and/or ovarian cancer (PMID: 22460208). ClinVar contains an entry for this variant (Variation ID: 54436). For these reasons, this variant has been classified as Pathogenic.

GeneDx
Classification: Pathogenic. Last evaluated: 2024-12-19. Review status: criteria provided, single submitter. Criteria: GeneDx Variant Classification Process June 2021. Collection method: clinical testing. Allele origin: germline. Affected: yes. Not counted in ClinVar's aggregate classification.
Comment: Observed in individuals with personal or family history of breast and/or ovarian cancer (PMID: 22460208, 31871109); Nonsense variant predicted to result in protein truncation or nonsense mediated decay in a gene for which loss of function is a known mechanism of disease; Not observed at significant frequency in large population cohorts (gnomAD); Truncating variants in this gene are considered pathogenic by a well-established clinical consortium and/or database; Also known as 2136G>T; This variant is associated with the following publications: (PMID: 28152038, 29446198, 30287823, 32377563, 31871109, 29021639, 20104584, 22460208, 12491487)

Ambry Genetics
Classification: Pathogenic for Hereditary cancer-predisposing syndrome. Last evaluated: 2024-11-05. Review status: criteria provided, single submitter. Criteria: Ambry Variant Classification Scheme 2023. Collection method: clinical testing. Allele origin: germline. Not counted in ClinVar's aggregate classification.
Comment: The p.E673* pathogenic mutation (also known as c.2017G>T), located in coding exon 9 of the BRCA1 gene, results from a G to T substitution at nucleotide position 2017. This changes the amino acid from a glutamic acid to a stop codon within coding exon 9. This alteration has been reported in multiple individuals diagnosed with breast and/or ovarian cancer (Olopade OI et al. Cancer, 2003 Jan;97:236-45; Beristain E et al, 2010 Jun;1:91-9; Brice&ntilde;o-Balc&aacute;zar I et al. Colomb. Med., 2017 Jun;48:58-63; Rebbeck TR et al. Hum. Mutat., 2018 05;39:593-620; Momozawa Y et al. Nat Commun, 2018 10;9:4083; Adedokun B et al. Cancer Epidemiol. Biomarkers Prev., 2020 02;29:359-367). In addition to the clinical data presented in the literature, this alteration is expected to result in loss of function by premature protein truncation or nonsense-mediated mRNA decay. As such, this alteration is interpreted as a disease-causing mutation.

Department of Human Genetics, Hannover Medical School
Classification: Pathogenic for Breast-ovarian cancer, familial, susceptibility to, 1. Last evaluated: 2024-06-21. Review status: criteria provided, single submitter. Criteria: ACMG Guidelines, 2015. Collection method: clinical testing. Allele origin: germline. Inheritance: Autosomal dominant inheritance. Affected: yes. Not counted in ClinVar's aggregate classification.

All of Us Research Program, National Institutes of Health
Classification: Pathogenic for Breast-ovarian cancer, familial, susceptibility to, 1. Last evaluated: 2024-01-08. Review status: criteria provided, single submitter. Criteria: ACMG Guidelines, 2015. Collection method: clinical testing. Allele origin: germline. Inheritance: Autosomal dominant inheritance. Observed: 1 variant allele, 1 heterozygote. Not counted in ClinVar's aggregate classification.
Comment: This variant changes 1 nucleotide in exon 10 of the BRCA1 gene, creating a premature translation stop signal. This variant is expected to result in an absent or non-functional protein product. This variant has not been identified in the general population by the Genome Aggregation Database (gnomAD). Loss of BRCA1 function is a known mechanism of disease. Based on the available evidence, this variant is classified as Pathogenic.

This study involves interpretation of variants in research participants for the purpose of population health screening. Participant phenotype was not available at the time of variant classification. Additional details can be found in publication PMID: 35346344, PMCID: PMC8962531

Baylor Genetics
Classification: Pathogenic for Breast-ovarian cancer, familial, susceptibility to, 1. Last evaluated: 2021-11-08. Review status: criteria provided, single submitter. Criteria: ACMG Guidelines, 2015. Collection method: clinical testing. Allele origin: unknown. Not counted in ClinVar's aggregate classification.

CeGaT Center for Human Genetics Tuebingen
Classification: Pathogenic. Last evaluated: 2020-08-01. Review status: criteria provided, single submitter. Criteria: CeGaT Center For Human Genetics Tuebingen Variant Classification Criteria Version 2. Collection method: clinical testing. Allele origin: germline. Affected: yes. Observed: 3 variant alleles. Not counted in ClinVar's aggregate classification.

Consortium of Investigators of Modifiers of BRCA1/2 (CIMBA), c/o University of Cambridge
Classification: Pathogenic for Breast-ovarian cancer, familial, susceptibility to, 1. Last evaluated: 2015-10-02. Review status: criteria provided, single submitter. Criteria: CIMBA Mutation Classification guidelines May 2016. Collection method: clinical testing. Allele origin: germline. Not counted in ClinVar's aggregate classification.

BRCAlab, Lund University
Classification: Pathogenic for Breast-ovarian cancer, familial, susceptibility to, 1. Last evaluated: 2022-08-26. Review status: no assertion criteria provided. Collection method: clinical testing. Allele origin: germline. Affected: yes. Not counted in ClinVar's aggregate classification.

Breast Cancer Information Core (BIC) (BRCA1)
Classification: Pathogenic for Breast-ovarian cancer, familial 1. Last evaluated: 1999-12-30. Review status: no assertion criteria provided. Collection method: clinical testing. Allele origin: germline. Affected: yes. Observed: 1 variant allele. Not counted in ClinVar's aggregate classification.

Literature cited by the submitters: PubMed 20104584 (cited by Labcorp Genetics (formerly Invitae), Labcorp and All of Us Research Program, National Institutes of Health); PubMed 22460208 (cited by 3 submitters); PubMed 12491487 (cited by Ambry Genetics and All of Us Research Program, National Institutes of Health); PubMed 29021639 (cited by Ambry Genetics); PubMed 29446198 (cited by Ambry Genetics and All of Us Research Program, National Institutes of Health); PubMed 30287823 (cited by Ambry Genetics); PubMed 31871109 (cited by Ambry Genetics and All of Us Research Program, National Institutes of Health).